The following is an entry in ClinVar:

NM_004174.4(SLC9A3):c.1589G>A (p.Arg530Gln)

Genes: SLC9A3 (solute carrier family 9 member A3), SLC9A3-AS1 (SLC9A3 antisense RNA 1; plus strand). Cytogenetic location: 5p15.33.
Variant type: single nucleotide variant.
Coding change: c.1589G>A on transcript NM_004174.4 (MANE Select); coding-DNA position 1589, G replaced by A.
Protein change: p.Arg530Gln; replaces arginine 530 with glutamine.
Molecular consequence: missense variant. On other transcripts: non-coding transcript variant (1).
Genome position (GRCh38, 1-based): chr5:479,894, C>T on the plus strand (G>A on the coding strand, the complement: SLC9A3 is on the minus strand). VCF-style: chr5-479894-C-T. GRCh37 (hg19) VCF-style: chr5-480009-C-T.
Other names: c.1562G>A, p.Arg521Gln (NM_001284351.3); short protein forms R530Q, R521Q.
Identifiers: ClinVar variation 2205919 (VCV002205919.3), dbSNP rs757572851, ClinGen allele CA3175820.
Genomic context (GRCh38, chr5:479,894, plus strand): 5'-ACCTCAGCCACGTAGCTGATGGCATCCTTCAGGTTCAGCTCGTGGAAGACATTCAGGATC[C>T]GGTCTCGAGACTTCTGGGCCGACCGTCTCATGAGGACCCTGCTGAGGAACTTCCTGTCGA-3'
Protein context (NP_004165.2, residues 520-540): MRRSAQKSRD[Arg530Gln]ILNVFHELNL

ClinVar aggregate classification (germline): Uncertain significance. Review status: criteria provided, multiple submitters, no conflicts (2 of 4 stars). 2 submissions from 2 submitters: Uncertain significance (2). Last evaluated 2025-03-16.

Conditions:
Inborn genetic diseases. Identifiers: MedGen C0950123, MeSH D030342.

Allele frequency attached by ClinVar (database versions not stated): ExAC 0.00001; gnomAD 0.00001; TOPMed 0.00001; gnomAD exomes 0.00003.
gnomAD v4.1: 48 of 1,613,860 alleles (0.003%); highest among the groups gnomAD compares: East Asian, 0.0067%; no homozygotes.

Submissions (2):

Labcorp Genetics (formerly Invitae), Labcorp
Classification: Uncertain significance. Last evaluated: 2025-03-16. Review status: criteria provided, single submitter. Criteria: Invitae Variant Classification Sherloc (09022015). Collection method: clinical testing. Allele origin: germline.
Comment: This sequence change replaces arginine, which is basic and polar, with glutamine, which is neutral and polar, at codon 530 of the SLC9A3 protein (p.Arg530Gln). This variant is present in population databases (rs757572851, gnomAD 0.005%). This variant has not been reported in the literature in individuals affected with SLC9A3-related conditions. ClinVar contains an entry for this variant (Variation ID: 2205919). Invitae Evidence Modeling of protein sequence and biophysical properties (such as structural, functional, and spatial information, amino acid conservation, physicochemical variation, residue mobility, and thermodynamic stability) indicates that this missense variant is not expected to disrupt SLC9A3 protein function with a negative predictive value of 80%. In summary, the available evidence is currently insufficient to determine the role of this variant in disease. Therefore, it has been classified as a Variant of Uncertain Significance.

Ambry Genetics
Classification: Uncertain significance for Inborn genetic diseases. Last evaluated: 2022-12-27. Review status: criteria provided, single submitter. Criteria: Ambry Variant Classification Scheme 2023. Collection method: clinical testing. Allele origin: germline.